The following is an entry in ClinVar:

ClinVar aggregate classification (germline): other (0 of 4 stars; one submission).

Conditions:
Familial colorectal cancer. Identifiers: MedGen CN280943, MONDO:0023113. Disease mechanism: loss of function.

Submission:

Systems Biology Platform Zhejiang California International NanoSystems Institute
Classification: other for Familial colorectal cancer. Review status: no assertion criteria provided. Collection method: not provided. Allele origin: unknown.
ClinVar note: Converted during submission from cancer to other.

NM_000038.6(APC):c.730-1052C>A

Gene: APC (APC regulator of WNT signaling pathway; plus strand). Cytogenetic location: 5q22.2.
Variant type: single nucleotide variant.
Coding change: c.730-1052C>A on transcript NM_000038.6 (MANE Select); 1052 bases into the intron before coding-DNA position 730, C replaced by A.
Molecular consequence: intron variant.
Genome position (GRCh38, 1-based): chr5:112,800,227, C>A. VCF-style: chr5-112800227-C-A. GRCh37 (hg19) VCF-style: chr5-112135924-C-A.
Other names: c.730-1052C>A (NM_001354895.2, NM_001127510.3, NM_001354896.2 and 1 more transcripts); c.760-1052C>A (NM_001354897.2, NM_001354902.2); c.676-1052C>A (NM_001127511.3); c.655-1052C>A (NM_001354898.2, NM_001354904.2); c.-306-1052C>A (NM_001354906.2); c.646-1052C>A (NM_001354899.2); c.553-1052C>A (NM_001354900.2, NM_001354901.2, NM_001354905.2).
Identifiers: ClinVar variation 82508 (VCV000082508.2), dbSNP rs79625622, ClinGen allele CA013286.